The following is an entry in ClinVar:

NM_002016.2(FLG):c.6630T>C (p.His2210=)

Genes: CCDST (cervical cancer associated DHX9 suppressive transcript; plus strand), FLG (filaggrin; minus strand). Cytogenetic location: 1q21.3.
Variant type: single nucleotide variant.
Coding change: c.6630T>C on transcript NM_002016.2 (MANE Select); coding-DNA position 6630, T replaced by C.
Protein change: p.His2210=; no amino-acid change (histidine 2210 retained).
Molecular consequence: synonymous variant.
Genome position (GRCh38, 1-based): chr1:152,308,256, A>G on the plus strand (T>C on the coding strand, the complement: FLG is on the minus strand). VCF-style: chr1-152308256-A-G. GRCh37 (hg19) VCF-style: chr1-152280732-A-G.
Identifiers: ClinVar variation 4281609 (VCV004281609.8).

ClinVar aggregate classification (germline): Likely benign. Review status: criteria provided, multiple submitters, no conflicts (2 of 4 stars). 2 submissions from 2 submitters: Likely benign (2). Last evaluated 2025-09-01.

Submissions (2):

CeGaT Center for Human Genetics Tuebingen
Classification: Likely benign. Last evaluated: 2025-09-01. Review status: criteria provided, single submitter. Criteria: CeGaT Center For Human Genetics Tuebingen Variant Classification Criteria Version 2. Collection method: clinical testing. Allele origin: germline. Affected: yes. Observed: 1 variant allele.
Comment: FLG: BP4, BP7

Blueprint Genetics
Classification: Likely benign. Last evaluated: 2024-10-02. Review status: criteria provided, single submitter. Criteria: ACMG Guidelines, 2015. Collection method: clinical testing. Allele origin: germline.